The following is an entry in ClinVar:

NM_005732.4(RAD50):c.1889T>C (p.Phe630Ser)

Gene: RAD50 (RAD50 double strand break repair protein; plus strand). Cytogenetic location: 5q31.1.
Variant type: single nucleotide variant.
Coding change: c.1889T>C on transcript NM_005732.4 (MANE Select); coding-DNA position 1889, T replaced by C.
Protein change: p.Phe630Ser; replaces phenylalanine 630 with serine.
Molecular consequence: missense variant.
Genome position (GRCh38, 1-based): chr5:132,594,964, T>C. VCF-style: chr5-132594964-T-C. GRCh37 (hg19) VCF-style: chr5-131930656-T-C.
Other names: short protein forms F630S.
Identifiers: ClinVar variation 662130 (VCV000662130.14), dbSNP rs1580996492, ClinGen allele CA360947997.

ClinVar aggregate classification (germline): Uncertain significance. Review status: criteria provided, multiple submitters, no conflicts (2 of 4 stars). 2 submissions from 2 submitters: Uncertain significance (2). Last evaluated 2024-10-27.

Conditions:
Hereditary cancer-predisposing syndrome. Also called: Neoplastic Syndromes, Hereditary; Tumor predisposition; Hereditary neoplastic syndrome; Hereditary Cancer Syndrome. Identifiers: Orphanet 140162, MedGen C0027672, MeSH D009386, MONDO:0015356.

Allele frequency attached by ClinVar (database versions not stated): gnomAD exomes below 0.00001.
gnomAD v4.1: 1 of 1,612,820 alleles (0.000062%); highest among the groups gnomAD compares: Non-Finnish European, 0.000085%; no homozygotes.

Submissions (2):

Ambry Genetics
Classification: Uncertain significance for Hereditary cancer-predisposing syndrome. Last evaluated: 2024-10-27. Review status: criteria provided, single submitter. Criteria: Ambry Variant Classification Scheme 2023. Collection method: clinical testing. Allele origin: germline.
Comment: The p.F630S variant (also known as c.1889T>C), located in coding exon 12 of the RAD50 gene, results from a T to C substitution at nucleotide position 1889. The phenylalanine at codon 630 is replaced by serine, an amino acid with highly dissimilar properties. This amino acid position is highly conserved in available vertebrate species. In addition, the in silico prediction for this alteration is inconclusive. Since supporting evidence is limited at this time, the clinical significance of this alteration remains unclear.

Labcorp Genetics (formerly Invitae), Labcorp
Classification: Uncertain significance for Hereditary cancer-predisposing syndrome. Last evaluated: 2023-06-27. Review status: criteria provided, single submitter. Criteria: Invitae Variant Classification Sherloc (09022015). Collection method: clinical testing. Allele origin: germline.
Comment: This variant is not present in population databases (gnomAD no frequency). This sequence change replaces phenylalanine, which is neutral and non-polar, with serine, which is neutral and polar, at codon 630 of the RAD50 protein (p.Phe630Ser). This variant has not been reported in the literature in individuals affected with RAD50-related conditions. In summary, the available evidence is currently insufficient to determine the role of this variant in disease. Therefore, it has been classified as a Variant of Uncertain Significance. Advanced modeling of protein sequence and biophysical properties (such as structural, functional, and spatial information, amino acid conservation, physicochemical variation, residue mobility, and thermodynamic stability) has been performed at Invitae for this missense variant, however the output from this modeling did not meet the statistical confidence thresholds required to predict the impact of this variant on RAD50 protein function. ClinVar contains an entry for this variant (Variation ID: 662130).